The following is an entry in ClinVar:

NM_001319074.4(RAX2):c.-19G>A

Gene: RAX2 (retina and anterior neural fold homeobox 2; minus strand). Cytogenetic location: 19p13.3.
Variant type: single nucleotide variant.
Coding change: c.-19G>A on transcript NM_001319074.4 (MANE Select); 19 bases upstream of the start codon, G replaced by A.
Molecular consequence: 5 prime UTR variant. On other transcripts: intron variant (1).
Genome position (GRCh38, 1-based): chr19:3,771,761, C>T on the plus strand (G>A on the coding strand, the complement: RAX2 is on the minus strand). VCF-style: chr19-3771761-C-T. GRCh37 (hg19) VCF-style: chr19-3771759-C-T.
Other names: c.-9-10G>A (NM_032753.4).
Identifiers: ClinVar variation 3044041 (VCV003044041.3), dbSNP rs200711581, ClinGen allele CA9085150.
Genomic context (GRCh38, chr19:3,771,761, plus strand): 5'-CCCACCCTCGGTTGCCGGCCCCTCGCCCGGGCTCAGGAACATGGCTCCCACCTGGTGGGA[C>T]GGCAGCGGGACAGATGGTGGGGAGACGGCTGGGGGGGCTACCGGCAGGGACAGGGCAGGG-3'

ClinVar aggregate classification (germline): Likely benign. Review status: criteria provided, single submitter (1 of 4 stars). 2 submissions from 2 submitters: Likely benign (1). 1 of the submissions does not count toward it. Last evaluated 2024-03-28.

Conditions:
RAX2-related disorder. Also called: RAX2-related condition; RAX2-related disorders.

Allele frequency attached by ClinVar (database versions not stated): ESP Exome Variant Server 0.00008.

Submissions (2):

Blueprint Genetics
Classification: Likely benign. Last evaluated: 2024-03-28. Review status: criteria provided, single submitter. Criteria: ACMG Guidelines, 2015. Collection method: clinical testing. Allele origin: germline.

PreventionGenetics, part of Exact Sciences
Classification: Likely benign for RAX2-related condition. Last evaluated: 2019-05-30. Review status: no assertion criteria provided. Collection method: clinical testing. Allele origin: germline. Not counted in ClinVar's aggregate classification.
Comment: This variant is classified as likely benign based on ACMG/AMP sequence variant interpretation guidelines (Richards et al. 2015 PMID: 25741868, with internal and published modifications).